The following is an entry in ClinVar:

GRCh37/hg19 9p24.1-22.1(chr9:6788084-19213960)x1

Genes: ADAMTSL1 (ADAMTS like 1; plus strand), BNC2 (basonuclin zinc finger protein 2; minus strand), CCDC171 (coiled-coil domain containing 171; plus strand), CER1 (cerberus 1, DAN family BMP antagonist; minus strand), CNTLN (centlein; plus strand) and 17 more. Cytogenetic location: 9p24.1-22.1.
Variant type: copy number loss.
Change: copy number 1 (one copy instead of two) of chr9:6,788,084-19,213,960 (12.43 Mb, GRCh37 coordinates, 1-based), cytogenetic band 9p24.1-22.1.
Identifiers: ClinVar variation 1527509 (VCV001527509.4).

ClinVar aggregate classification (germline): no classifications from unflagged records (0 of 4 stars; one submission).

Submission:

ARUP Laboratories, Cytogenetics and Genomic Microarray, ARUP Laboratories
Classification: Pathogenic. Last evaluated: 2013-06-01. Review status: flagged submission. Criteria: ARUP Cytogenomic Constitutional CNV Assertion Criteria. Collection method: clinical testing. Allele origin: germline. Observed: 1 variant allele.
ClinVar note: Notes: This submission was flagged because its interpretation of this variant conflicts with the ClinGen Gene Dosage Map curation for the gene NFIB.
ClinVar note: Reason: Conflict with ClinGen Gene Dosage Map